The following is an entry in ClinVar:

ClinVar aggregate classification (germline): Likely benign (0 of 4 stars; one submission).

Conditions:
FANCI-related disorder. Also called: FANCI-related condition.

Allele frequency attached by ClinVar (database versions not stated): gnomAD exomes below 0.00001.
gnomAD v4.1: 1 of 1,612,898 alleles (0.000062%); highest among the groups gnomAD compares: Non-Finnish European, 0.000085%; no homozygotes.

Submission:

PreventionGenetics, part of Exact Sciences
Classification: Likely benign for FANCI-related condition. Last evaluated: 2023-08-02. Review status: no assertion criteria provided. Collection method: clinical testing. Allele origin: germline.
Comment: This variant is classified as likely benign based on ACMG/AMP sequence variant interpretation guidelines (Richards et al. 2015 PMID: 25741868, with internal and published modifications).

NM_001113378.2(FANCI):c.1059A>T (p.Leu353=)

Gene: FANCI (FA complementation group I; plus strand). Cytogenetic location: 15q26.1.
Variant type: single nucleotide variant.
Coding change: c.1059A>T on transcript NM_001113378.2 (MANE Select); coding-DNA position 1059, A replaced by T.
Protein change: p.Leu353=; no amino-acid change (leucine 353 retained).
Molecular consequence: synonymous variant.
Genome position (GRCh38, 1-based): chr15:89,274,251, A>T. VCF-style: chr15-89274251-A-T. GRCh37 (hg19) VCF-style: chr15-89817482-A-T.
Other names: c.780A>T, p.Leu260= (NM_001376910.1); c.1059A>T, p.Leu353= (NM_001376911.1, NM_018193.3).
Identifiers: ClinVar variation 3044847 (VCV003044847.2), dbSNP rs756817986, ClinGen allele CA492071380.
Genomic context (GRCh38, chr15:89,274,251, plus strand): 5'-GGTTGTAAAGAGCTTTAAGGATCTTCAACTCCTCCAAGGCTCAAAATTTCTTCAGAATCT[A>T]GTTCCTCATAGATCTTATGTTTCAACCATGATCTTGGAAGTAGTGAAGAATAGGTAAGTT-3'
Protein context (NP_001106849.1, residues 343-363): LLQGSKFLQN[Leu353=]VPHRSYVSTM